The following is an entry in ClinVar:

ClinVar aggregate classification (germline): Benign/Likely benign. Review status: criteria provided, multiple submitters, no conflicts (2 of 4 stars). 3 submissions from 3 submitters: Benign (1); Likely benign (2). Last evaluated 2026-01-27.

Conditions:
Compton-North congenital myopathy (CMYO12). Identifiers: Orphanet 210163, MedGen C2675527, MONDO:0012929, OMIM 612540.

Allele frequency attached by ClinVar (database versions not stated): gnomAD exomes 0.00015 and 0.00032; ExAC 0.00037; gnomAD 0.00099; 1000 Genomes Project 30x 0.00109; 1000 Genomes Project 0.00120; ESP Exome Variant Server 0.00123; TOPMed 0.00123.

Submissions (3):

Labcorp Genetics (formerly Invitae), Labcorp
Classification: Benign for Compton-North congenital myopathy. Last evaluated: 2026-01-27. Review status: criteria provided, single submitter. Criteria: Invitae Variant Classification Sherloc (09022015). Collection method: clinical testing. Allele origin: germline.

Blueprint Genetics
Classification: Likely benign. Last evaluated: 2024-11-06. Review status: criteria provided, single submitter. Criteria: ACMG Guidelines, 2015. Collection method: clinical testing. Allele origin: germline.

GeneDx
Classification: Likely benign. Last evaluated: 2017-05-02. Review status: criteria provided, single submitter. Criteria: GeneDx Variant Classification (06012015). Collection method: clinical testing. Allele origin: germline. Affected: yes.
Comment: This variant is considered likely benign or benign based on one or more of the following criteria: it is a conservative change, it occurs at a poorly conserved position in the protein, it is predicted to be benign by multiple in silico algorithms, and/or has population frequency not consistent with disease.

NM_001843.4(CNTN1):c.1507+19G>T

Gene: CNTN1 (contactin 1; plus strand). Cytogenetic location: 12q12.
Variant type: single nucleotide variant.
Coding change: c.1507+19G>T on transcript NM_001843.4 (MANE Select); 19 bases into the intron after coding-DNA position 1507, G replaced by T.
Molecular consequence: intron variant.
Genome position (GRCh38, 1-based): chr12:40,943,743, G>T. VCF-style: chr12-40943743-G-T. GRCh37 (hg19) VCF-style: chr12-41337545-G-T.
Other names: c.1507+19G>T (NM_001256063.2, NM_001256064.2); c.1474+19G>T (NM_175038.2).
Identifiers: ClinVar variation 387561 (VCV000387561.10), dbSNP rs145594554, ClinGen allele CA6516869.
Genomic context (GRCh38, chr12:40,943,743, plus strand): 5'-ACAGAGGGAAAGCTAATAGCACTGGAACCCTTGTTATCACAGGTAAGTTAATGTTTGAGG[G>T]TGCTTAATTTCTAATGTATTAAAAAACATGATTCAGCACTAAGCATCTAAACAGTCAATG-3'